The following is an entry in ClinVar:

ClinVar aggregate classification (germline): Pathogenic/Likely pathogenic. Review status: criteria provided, multiple submitters, no conflicts (2 of 4 stars). 2 submissions from 2 submitters: Pathogenic (1); Likely pathogenic (1). Last evaluated 2024-11-07.

Conditions:
DLG3-related disorder. Also called: DLG3-related condition.

Submissions (2):

GeneDx
Classification: Pathogenic. Last evaluated: 2024-11-07. Review status: criteria provided, single submitter. Criteria: GeneDx Variant Classification Process June 2021. Collection method: clinical testing. Allele origin: germline. Affected: yes.
Comment: Frameshift variant predicted to result in protein truncation or nonsense mediated decay in a gene for which loss of function is a known mechanism of disease; Not observed at significant frequency in large population cohorts (gnomAD); Has not been previously published as pathogenic or benign to our knowledge

Blueprint Genetics
Classification: Likely pathogenic for DLG3-related disorders. Last evaluated: 2022-07-26. Review status: criteria provided, single submitter. Criteria: ACMG Guidelines, 2015. Collection method: clinical testing. Allele origin: germline. Affected: yes. Observed: 1 variant allele.

NM_021120.4(DLG3):c.791del (p.Gly264fs)

Gene: DLG3 (discs large MAGUK scaffold protein 3; plus strand). Cytogenetic location: Xq13.1.
Variant type: Deletion.
Coding change: c.791del on transcript NM_021120.4 (MANE Select); coding-DNA position 791, one base deleted (G; older notation c.791delG).
Protein change: p.Gly264fs; shifts the reading frame from glycine 264.
Molecular consequence: frameshift variant.
Genome position (GRCh38, 1-based): chrX:70,450,256, G deleted; the last of 6 consecutive G bases (chrX:70,450,251-70,450,256); deleting any one gives the same sequence. VCF-style (leftmost placement, unchanged base first): chrX-70450250-AG-A. GRCh37 (hg19) VCF-style: chrX-69670100-AG-A.
Other names: short protein forms G264fs.
Identifiers: ClinVar variation 3899003 (VCV003899003.2).
Genomic context (GRCh38, chrX:70,450,250, plus strand): 5'-GGGGTATTGGCAACCAGCACATCCCAGGAGACAACAGCATCTACATCACCAAGATCATTG[AG>A]GGGGGTGCTGCTCAGAAGGATGGACGCCTACAGATTGGGGACCGGCTGCTGGCGGTGAGA-3'